The following is an entry in ClinVar:

NM_001909.5(CTSD):c.834G>C (p.Glu278Asp)

Gene: CTSD (cathepsin D; minus strand). Cytogenetic location: 11p15.5.
Variant type: single nucleotide variant.
Coding change: c.834G>C on transcript NM_001909.5 (MANE Select); coding-DNA position 834, G replaced by C.
Protein change: p.Glu278Asp; replaces glutamic acid 278 with aspartic acid.
Molecular consequence: missense variant.
Genome position (GRCh38, 1-based): chr11:1,754,132, C>G on the plus strand (G>C on the coding strand, the complement: CTSD is on the minus strand). VCF-style: chr11-1754132-C-G. GRCh37 (hg19) VCF-style: chr11-1775362-C-G.
Other names: short protein forms E278D.
Identifiers: ClinVar variation 2124864 (VCV002124864.4), dbSNP rs1845765111, ClinGen allele CA379094188.

ClinVar aggregate classification (germline): Uncertain significance (1 of 4 stars; one submission).

Conditions:
Neuronal ceroid lipofuscinosis. Also called: Neuronal Ceroid Lipofuscinoses. Identifiers: Orphanet 216, Orphanet 79263, MedGen C0027877, MONDO:0016295. Disease mechanism: loss of function.

Allele frequency attached by ClinVar (database versions not stated): TOPMed below 0.00001.
gnomAD v4.1: 6 of 1,608,906 alleles (0.00037%); highest among the groups gnomAD compares: Non-Finnish European, 0.00051%; no homozygotes.

Submission:

Labcorp Genetics (formerly Invitae), Labcorp
Classification: Uncertain significance for Neuronal ceroid lipofuscinosis. Last evaluated: 2023-11-27. Review status: criteria provided, single submitter. Criteria: Invitae Variant Classification Sherloc (09022015). Collection method: clinical testing. Allele origin: germline.
Comment: This sequence change replaces glutamic acid, which is acidic and polar, with aspartic acid, which is acidic and polar, at codon 278 of the CTSD protein (p.Glu278Asp). This variant is not present in population databases (gnomAD no frequency). This variant has not been reported in the literature in individuals affected with CTSD-related conditions. ClinVar contains an entry for this variant (Variation ID: 2124864). Advanced modeling of protein sequence and biophysical properties (such as structural, functional, and spatial information, amino acid conservation, physicochemical variation, residue mobility, and thermodynamic stability) performed at Invitae indicates that this missense variant is not expected to disrupt CTSD protein function with a negative predictive value of 80%. In summary, the available evidence is currently insufficient to determine the role of this variant in disease. Therefore, it has been classified as a Variant of Uncertain Significance.